The following is an entry in ClinVar:

ClinVar aggregate classification (germline): Uncertain significance (1 of 4 stars; one submission).

Conditions:
Inherited glutathione synthetase deficiency. Identifiers: Orphanet 32, MedGen C5979912, MONDO:0017909.

Allele frequency attached by ClinVar (database versions not stated): gnomAD exomes 0.00001 and 0.00002; ExAC 0.00002; gnomAD 0.00003 and 0.00004; TOPMed 0.00004.

Submission:

Labcorp Genetics (formerly Invitae), Labcorp
Classification: Uncertain significance for Glutathione synthetase deficiency with 5-oxoprolinuria. Last evaluated: 2022-06-13. Review status: criteria provided, single submitter. Criteria: Invitae Variant Classification Sherloc (09022015). Collection method: clinical testing. Allele origin: germline.
Comment: This sequence change replaces arginine, which is basic and polar, with histidine, which is basic and polar, at codon 330 of the GSS protein (p.Arg330His). This variant is present in population databases (rs762639246, gnomAD 0.007%). This variant has not been reported in the literature in individuals affected with GSS-related conditions. Algorithms developed to predict the effect of missense changes on protein structure and function are either unavailable or do not agree on the potential impact of this missense change (SIFT: "Tolerated"; PolyPhen-2: "Probably Damaging"; Align-GVGD: "Class C0"). In summary, the available evidence is currently insufficient to determine the role of this variant in disease. Therefore, it has been classified as a Variant of Uncertain Significance.

NM_000178.4(GSS):c.989G>A (p.Arg330His)

Gene: GSS (glutathione synthetase; minus strand). Cytogenetic location: 20q11.22.
Variant type: single nucleotide variant.
Coding change: c.989G>A on transcript NM_000178.4 (MANE Select); coding-DNA position 989, G replaced by A.
Protein change: p.Arg330His; replaces arginine 330 with histidine.
Molecular consequence: missense variant.
Genome position (GRCh38, 1-based): chr20:34,931,979, C>T on the plus strand (G>A on the coding strand, the complement: GSS is on the minus strand). VCF-style: chr20-34931979-C-T. GRCh37 (hg19) VCF-style: chr20-33519782-C-T.
Other names: c.989G>A, p.Arg330His (NM_001322494.1, NM_001322495.1); short protein forms R330H.
Identifiers: ClinVar variation 1363675 (VCV001363675.3), dbSNP rs762639246, ClinGen allele CA9825918.